The following is an entry in ClinVar:

ClinVar aggregate classification (germline): Likely benign (1 of 4 stars; one submission).

Conditions:
VPS13B-related disorder. Also called: VPS13B-related condition.

Submission:

PreventionGenetics, part of Exact Sciences
Classification: Likely benign for VPS13B-related condition. Last evaluated: 2026-02-24. Review status: criteria provided, single submitter. Criteria: ACMG Guidelines, 2015. Collection method: clinical testing. Allele origin: germline.
Comment: This variant is classified as likely benign based on ACMG/AMP sequence variant interpretation guidelines (Richards et al. 2015 PMID: 25741868, with internal and published modifications).

NM_152564.5(VPS13B):c.2098C>T (p.Leu700=)

Gene: VPS13B (vacuolar protein sorting 13 homolog B; plus strand). Cytogenetic location: 8q22.2.
Variant type: single nucleotide variant.
Coding change: c.2098C>T on transcript NM_152564.5 (MANE Select); coding-DNA position 2098, C replaced by T.
Protein change: p.Leu700=; no amino-acid change (leucine 700 retained).
Molecular consequence: synonymous variant.
Genome position (GRCh38, 1-based): chr8:99,156,633, C>T. VCF-style: chr8-99156633-C-T. GRCh37 (hg19) VCF-style: chr8-100168861-C-T.
Other names: c.2098C>T, p.Leu700= (NM_015243.3, NM_017890.5).
Identifiers: ClinVar variation 4991836 (VCV004991836.1).